The following is an entry in ClinVar:

NM_003000.3(SDHB):c.203G>T (p.Cys68Phe)

Gene: SDHB (succinate dehydrogenase complex iron sulfur subunit B; minus strand). Cytogenetic location: 1p36.13.
Variant type: single nucleotide variant.
Coding change: c.203G>T on transcript NM_003000.3 (MANE Select); coding-DNA position 203, G replaced by T.
Protein change: p.Cys68Phe; replaces cysteine 68 with phenylalanine.
Molecular consequence: missense variant.
Genome position (GRCh38, 1-based): chr1:17,033,143, C>A on the plus strand (G>T on the coding strand, the complement: SDHB is on the minus strand). VCF-style: chr1-17033143-C-A. GRCh37 (hg19) VCF-style: chr1-17359638-C-A.
Other names: c.203G>T, p.Cys68Phe (NM_001407361.1); short protein forms C68F.
Identifiers: ClinVar variation 4547763 (VCV004547763.1).

ClinVar aggregate classification (germline): Likely pathogenic (1 of 4 stars; one submission).

Conditions:
Hereditary cancer-predisposing syndrome. Also called: Tumor predisposition; Hereditary Cancer Syndrome; Hereditary neoplastic syndrome; Neoplastic Syndromes, Hereditary. Identifiers: Orphanet 140162, MedGen C0027672, MeSH D009386, MONDO:0015356.

Submission:

Ambry Genetics
Classification: Likely pathogenic for Hereditary cancer-predisposing syndrome. Last evaluated: 2025-10-31. Review status: criteria provided, single submitter. Criteria: Ambry Variant Classification Scheme 2023. Collection method: clinical testing. Allele origin: germline.
Comment: The p.C68F variant (also known as c.203G>T), located in coding exon 3 of the SDHB gene, results from a G to T substitution at nucleotide position 203. The cysteine at codon 68 is replaced by phenylalanine, an amino acid with highly dissimilar properties. Other variant(s) at the same codon, p.C68Y (c.203G>A), have been identified in individual(s) with features consistent with SDHB-related hereditary pheochromocytoma-paraganglioma (Burnichon N et al. Hum. Mol. Genet. 2011 Oct;20:3974-85; Loriot et al. J Clin Endocrinol Metab. 2012 Jun;97(6):E954-62; Bennedb&aelig;k M et al. Hered Cancer Clin Pract. 2016 Jun;14:13; Ben Aim L et al. J Med Genet, 2019 Aug;56:513-520; Main AM et al. Endocr Connect, 2020 Aug;9:793-803; Ambry internal data). This amino acid position is highly conserved in available vertebrate species. In addition, this alteration is predicted to be deleterious by in silico analysis. This variant is considered to be rare based on population cohorts in the Genome Aggregation Database (gnomAD). Based on the majority of available evidence to date, this variant is likely to be pathogenic.